The following is an entry in ClinVar:

NM_000061.3(BTK):c.1793A>G (p.Tyr598Cys)

Gene: BTK (Bruton tyrosine kinase; minus strand). Cytogenetic location: Xq22.1.
Variant type: single nucleotide variant.
Coding change: c.1793A>G on transcript NM_000061.3 (MANE Select); coding-DNA position 1793, A replaced by G.
Protein change: p.Tyr598Cys; replaces tyrosine 598 with cysteine.
Molecular consequence: missense variant.
Genome position (GRCh38, 1-based): chrX:101,353,309, T>C on the plus strand (A>G on the coding strand, the complement: BTK is on the minus strand). VCF-style: chrX-101353309-T-C. GRCh37 (hg19) VCF-style: chrX-100608297-T-C.
Other names: c.1895A>G, p.Tyr632Cys (NM_001287344.2); c.1265A>G, p.Tyr422Cys (NM_001287345.2); short protein forms Y598C, Y422C, Y632C.
Identifiers: ClinVar variation 2138637 (VCV002138637.5), dbSNP rs2520528219, ClinGen allele CA413919315.

ClinVar aggregate classification (germline): Likely pathogenic. Review status: criteria provided, multiple submitters, no conflicts (2 of 4 stars). 2 submissions from 2 submitters: Likely pathogenic (2). Last evaluated 2022-04-17.

Conditions:
X-linked agammaglobulinemia with growth hormone deficiency (IGHD3). Also called: ISOLATED GROWTH HORMONE DEFICIENCY, TYPE III, WITH AGAMMAGLOBULINEMIA; FLEISHER SYNDROME; HYPOGAMMAGLOBULINEMIA AND ISOLATED GROWTH HORMONE DEFICIENCY, X-LINKED; IGHD III; Isolated growth hormone deficiency type 3; Growth hormone deficiency with hypogammaglobulinemia. Identifiers: Orphanet 231692, Orphanet 631, MedGen C0472813, MONDO:0010615, OMIM 307200.
BTK-related disorder. Also called: BTK-related condition.

Submissions (2):

Labcorp Genetics (formerly Invitae), Labcorp
Classification: Likely pathogenic for X-linked agammaglobulinemia with growth hormone deficiency. Last evaluated: 2022-04-17. Review status: criteria provided, single submitter. Criteria: Invitae Variant Classification Sherloc (09022015). Collection method: clinical testing. Allele origin: germline.
Comment: In summary, the currently available evidence indicates that the variant is pathogenic, but additional data are needed to prove that conclusively. Therefore, this variant has been classified as Likely Pathogenic. This variant disrupts the p.Tyr598 amino acid residue in BTK. Other variant(s) that disrupt this residue have been observed in individuals with BTK-related conditions (PMID: 10887125, 11742281), which suggests that this may be a clinically significant amino acid residue. Advanced modeling of protein sequence and biophysical properties (such as structural, functional, and spatial information, amino acid conservation, physicochemical variation, residue mobility, and thermodynamic stability) performed at Invitae indicates that this missense variant is expected to disrupt BTK protein function. This missense change has been observed in individual(s) with X-linked agammaglobulinemia (PMID: 9143921). This variant is not present in population databases (gnomAD no frequency). This sequence change replaces tyrosine, which is neutral and polar, with cysteine, which is neutral and slightly polar, at codon 598 of the BTK protein (p.Tyr598Cys).

Blueprint Genetics
Classification: Likely pathogenic for BTK-related disorders. Last evaluated: 2022-03-17. Review status: criteria provided, single submitter. Criteria: ACMG Guidelines, 2015. Collection method: clinical testing. Allele origin: germline. Affected: yes. Observed: 3 variant alleles.

Literature cited by the submitters: PubMed 10887125 (cited by Labcorp Genetics (formerly Invitae), Labcorp); PubMed 11742281 (cited by Labcorp Genetics (formerly Invitae), Labcorp); PubMed 9143921 (cited by Labcorp Genetics (formerly Invitae), Labcorp).